The following is an entry in ClinVar:

ClinVar aggregate classification (germline): Uncertain significance (1 of 4 stars; one submission).

Conditions:
Cardiovascular phenotype. Identifiers: MedGen CN230736.

Submission:

Ambry Genetics
Classification: Uncertain significance for Cardiovascular phenotype. Last evaluated: 2025-05-31. Review status: criteria provided, single submitter. Criteria: Ambry Variant Classification Scheme 2023. Collection method: clinical testing. Allele origin: germline.
Comment: The p.R444S variant (also known as c.1332G>T), located in coding exon 9 of the CBL gene, results from a G to T substitution at nucleotide position 1332. The arginine at codon 444 is replaced by serine, an amino acid with dissimilar properties. This amino acid position is conserved. In addition, this alteration is predicted to be tolerated by in silico analysis. Based on the available evidence, the clinical significance of this variant remains unclear.

NM_005188.4(CBL):c.1332G>T (p.Arg444Ser)

Gene: CBL (Cbl proto-oncogene; plus strand). Cytogenetic location: 11q23.3.
Variant type: single nucleotide variant.
Coding change: c.1332G>T on transcript NM_005188.4 (MANE Select); coding-DNA position 1332, G replaced by T.
Protein change: p.Arg444Ser; replaces arginine 444 with serine.
Molecular consequence: missense variant.
Genome position (GRCh38, 1-based): chr11:119,278,614, G>T. VCF-style: chr11-119278614-G-T. GRCh37 (hg19) VCF-style: chr11-119149324-G-T.
Other names: short protein forms R444S.
Identifiers: ClinVar variation 3996076 (VCV003996076.1).